The following is an entry in ClinVar:

NM_016156.6(MTMR2):c.1537_1538dup (p.Ser514fs)

Gene: MTMR2 (myotubularin related protein 2; minus strand). Cytogenetic location: 11q21.
Variant type: Microsatellite.
Coding change: c.1537_1538dup on transcript NM_016156.6 (MANE Select); coding-DNA positions 1537 to 1538, 2 bases duplicated (TA; older notation c.1537_1538dupTA).
Protein change: p.Ser514fs; shifts the reading frame from serine 514.
Molecular consequence: frameshift variant.
Genome position (GRCh38, 1-based): chr11:95,838,149-95,838,150, TA duplicated on the plus strand (TA on the coding strand, the reverse complement: MTMR2 is on the minus strand); duplicating any 2 consecutive bases within chr11:95,838,149-95,838,152 gives the same sequence; the c. name uses the placement nearest the transcript's 3' end. VCF-style (leftmost placement, unchanged base first): chr11-95838148-G-GTA. GRCh37 (hg19) VCF-style: chr11-95571312-G-GTA.
Other names: c.1321_1322dup, p.Ser442fs (NM_001243571.2, NM_201278.3, NM_201281.3); c.1537_1538dupTA (NM_016156.5); short protein forms S442fs, S514fs.
Identifiers: ClinVar variation 406679 (VCV000406679.8), dbSNP rs1555057316, ClinGen allele CA16613652.

ClinVar aggregate classification (germline): Pathogenic. Review status: criteria provided, multiple submitters, no conflicts (2 of 4 stars). 2 submissions from 2 submitters: Pathogenic (2). Last evaluated 2020-03-05.

Conditions:
Charcot-Marie-Tooth disease type 4B1. Also called: Charcot-Marie-Tooth Neuropathy Type 4B1; CHARCOT-MARIE-TOOTH DISEASE, AUTOSOMAL RECESSIVE, WITH FOCALLY FOLDED MYELIN SHEATHS, AUTOSOMAL RECESSIVE, TYPE 4B1; CHARCOT-MARIE-TOOTH DISEASE, TYPE 4B; CHARCOT-MARIE-TOOTH DISEASE, DEMYELINATING, TYPE 4B1. Identifiers: Orphanet 99955, MedGen C1832399, MONDO:0011066, OMIM 601382.
Charcot-Marie-Tooth disease type 4. Also called: Charcot-Marie-Tooth disease, type IV; Charcot-Marie-Tooth, Type 4. Identifiers: Orphanet 64749, MedGen C4082197, MONDO:0018995.

Submissions (2):

Labcorp Genetics (formerly Invitae), Labcorp
Classification: Pathogenic for Charcot-Marie-Tooth disease type 4. Last evaluated: 2020-03-05. Review status: criteria provided, single submitter. Criteria: Invitae Variant Classification Sherloc (09022015). Collection method: clinical testing. Allele origin: germline.
Comment: For these reasons, this variant has been classified as Pathogenic. Loss-of-function variants in MTMR2 are known to be pathogenic (PMID: 10802647). This variant has not been reported in the literature in individuals with MTMR2-related conditions. This variant is not present in population databases (ExAC no frequency). This sequence change creates a premature translational stop signal (p.Ser514Thrfs*32) in the MTMR2 gene. It is expected to result in an absent or disrupted protein product.

Knight Diagnostic Laboratories, Oregon Health and Sciences University
Classification: Pathogenic for Charcot-marie-tooth disease, type 4b1. Last evaluated: 2018-11-05. Review status: criteria provided, single submitter. Criteria: ACMG Guidelines, 2015. Collection method: clinical testing. Allele origin: germline. Observed: 1 variant allele.

Literature cited by the submitters: PubMed 10802647 (cited by Labcorp Genetics (formerly Invitae), Labcorp).